The following is an entry in ClinVar:

ClinVar aggregate classification (germline): Uncertain significance (1 of 4 stars; one submission).

Conditions:
Autoimmune lymphoproliferative syndrome, type III caused by mutation in PRKCD. Identifiers: Orphanet 3261, Orphanet 664711, MedGen C3809928, MONDO:8000024, OMIM 615559.

gnomAD v4.1: 5 of 1,611,686 alleles (0.00031%); highest among the groups gnomAD compares: Non-Finnish European, 0.00042%; no homozygotes.

Submission:

Labcorp Genetics (formerly Invitae), Labcorp
Classification: Uncertain significance for Autoimmune lymphoproliferative syndrome, type III caused by mutation in PRKCD. Last evaluated: 2024-06-08. Review status: criteria provided, single submitter. Criteria: Invitae Variant Classification Sherloc (09022015). Collection method: clinical testing. Allele origin: germline.
Comment: This sequence change affects codon 38 of the PRKCD mRNA. It is a 'silent' change, meaning that it does not change the encoded amino acid sequence of the PRKCD protein. It affects a nucleotide within the consensus splice site. This variant is present in population databases (no rsID available, gnomAD 0.002%). This variant has not been reported in the literature in individuals affected with PRKCD-related conditions. Algorithms developed to predict the effect of sequence changes on RNA splicing suggest that this variant is not likely to affect RNA splicing. In summary, the available evidence is currently insufficient to determine the role of this variant in disease. Therefore, it has been classified as a Variant of Uncertain Significance.

NM_006254.4(PRKCD):c.114A>T (p.Thr38=)

Gene: PRKCD (protein kinase C delta; plus strand). Cytogenetic location: 3p21.1.
Variant type: single nucleotide variant.
Coding change: c.114A>T on transcript NM_006254.4 (MANE Select); coding-DNA position 114, A replaced by T.
Protein change: p.Thr38=; no amino-acid change (threonine 38 retained).
Molecular consequence: synonymous variant.
Genome position (GRCh38, 1-based): chr3:53,178,536, A>T. VCF-style: chr3-53178536-A-T. GRCh37 (hg19) VCF-style: chr3-53212552-A-T.
Other names: c.114A>T, p.Thr38= (NM_001316327.2, NM_001354679.2, NM_001354680.2 and 1 more transcripts); c.171A>T, p.Thr57= (NM_001354676.2); c.162A>T, p.Thr54= (NM_001354678.2).
Identifiers: ClinVar variation 3688620 (VCV003688620.2).